The following is an entry in ClinVar:

NM_005359.6(SMAD4):c.854del (p.Asn285fs)

Gene: SMAD4 (SMAD family member 4; plus strand). Cytogenetic location: 18q21.2.
Variant type: Deletion.
Coding change: c.854del on transcript NM_005359.6 (MANE Select); coding-DNA position 854, one base deleted (A; older notation c.854delA).
Protein change: p.Asn285fs; shifts the reading frame from asparagine 285.
Molecular consequence: frameshift variant. On other transcripts: non-coding transcript variant (2).
Genome position (GRCh38, 1-based): chr18:51,058,406, A deleted; the last of 4 consecutive A bases (chr18:51,058,403-51,058,406); deleting any one gives the same sequence. VCF-style (leftmost placement, unchanged base first): chr18-51058402-CA-C. GRCh37 (hg19) VCF-style: chr18-48584772-CA-C.
Other names: c.854del, p.Asn285fs (NM_001407041.1, NM_001407042.1, NM_001407043.1); short protein forms N285fs.
Identifiers: ClinVar variation 3148836 (VCV003148836.1), dbSNP rs2511377320, ClinGen allele CA645609145.

ClinVar aggregate classification (germline): Pathogenic (1 of 4 stars; one submission).

Conditions:
Juvenile polyposis/hereditary hemorrhagic telangiectasia syndrome (JPHT). Also called: Juvenile Polyposis Syndrome / Hereditary Hemorrhagic Telangiectasia (JPS/HHT); JP/HHT SYNDROME; JUVENILE POLYPOSIS WITH HEREDITARY HEMORRHAGIC TELANGIECTASIA; POLYPOSIS, GENERALIZED JUVENILE, WITH PULMONARY ARTERIOVENOUS MALFORMATION; TELANGIECTASIA, HEREDITARY HEMORRHAGIC, WITH JUVENILE POLYPOSIS COLI. Identifiers: Orphanet 2929, MedGen C1832942, MONDO:0008278, OMIM 175050.

Submission:

Myriad Genetics, Inc.
Classification: Pathogenic for Juvenile polyposis/hereditary hemorrhagic telangiectasia syndrome. Last evaluated: 2024-02-09. Review status: criteria provided, single submitter. Criteria: Myriad Autosomal Dominant, Autosomal Recessive and X-Linked Classification Criteria (2023). Collection method: clinical testing. Allele origin: unknown.
Comment: This variant is considered pathogenic. This variant creates a frameshift predicted to result in premature protein truncation.